The following is an entry in ClinVar:

NM_005235.3(ERBB4):c.2210G>C (p.Trp737Ser)

Gene: ERBB4 (erb-b2 receptor tyrosine kinase 4; minus strand). Cytogenetic location: 2q34.
Variant type: single nucleotide variant.
Coding change: c.2210G>C on transcript NM_005235.3 (MANE Select); coding-DNA position 2210, G replaced by C.
Protein change: p.Trp737Ser; replaces tryptophan 737 with serine.
Molecular consequence: missense variant.
Genome position (GRCh38, 1-based): chr2:211,619,268, C>G on the plus strand (G>C on the coding strand, the complement: ERBB4 is on the minus strand). VCF-style: chr2-211619268-C-G. GRCh37 (hg19) VCF-style: chr2-212483993-C-G.
Other names: c.2210G>C, p.Trp737Ser (NM_001042599.2); short protein forms W737S.
Identifiers: ClinVar variation 2421619 (VCV002421619.6), dbSNP rs748263203, ClinGen allele CA350781779.

ClinVar aggregate classification (germline): Uncertain significance (1 of 4 stars; one submission).

gnomAD v4.1: 2 of 1,602,588 alleles (0.00012%); highest among the groups gnomAD compares: Non-Finnish European, 0.00017%; no homozygotes.

Submission:

Labcorp Genetics (formerly Invitae), Labcorp
Classification: Uncertain significance. Last evaluated: 2022-02-24. Review status: criteria provided, single submitter. Criteria: Invitae Variant Classification Sherloc (09022015). Collection method: clinical testing. Allele origin: germline.
Comment: In summary, the available evidence is currently insufficient to determine the role of this variant in disease. Therefore, it has been classified as a Variant of Uncertain Significance. Algorithms developed to predict the effect of missense changes on protein structure and function (SIFT, PolyPhen-2, Align-GVGD) all suggest that this variant is likely to be disruptive. This variant has not been reported in the literature in individuals affected with ERBB4-related conditions. This variant is not present in population databases (gnomAD no frequency). This sequence change replaces tryptophan, which is neutral and slightly polar, with serine, which is neutral and polar, at codon 737 of the ERBB4 protein (p.Trp737Ser).